The following is an entry in ClinVar:

NM_181523.3(PIK3R1):c.484C>T (p.Arg162Ter)

Gene: PIK3R1 (phosphoinositide-3-kinase regulatory subunit 1; plus strand). Cytogenetic location: 5q13.1.
Variant type: single nucleotide variant.
Coding change: c.484C>T on transcript NM_181523.3 (MANE Select); coding-DNA position 484, C replaced by T.
Protein change: p.Arg162Ter; replaces arginine 162 with a stop codon.
Molecular consequence: nonsense.
Genome position (GRCh38, 1-based): chr5:68,273,995, C>T. VCF-style: chr5-68273995-C-T. GRCh37 (hg19) VCF-style: chr5-67569823-C-T.
Other names: short protein forms R162*.
Identifiers: ClinVar variation 1370470 (VCV001370470.6), dbSNP rs1230037871, ClinGen allele CA359873078.

ClinVar aggregate classification (germline): Pathogenic (1 of 4 stars; one submission).

Conditions:
SHORT syndrome. Also called: LIPODYSTROPHY, PARTIAL, WITH RIEGER ANOMALY AND SHORT STATURE; PIK3R1-Related SHORT Syndrome; SHORT STATURE, HYPEREXTENSIBILITY, HERNIA, OCULAR DEPRESSION, RIEGER ANOMALY, AND TEETHING DELAY. Identifiers: Orphanet 3163, MedGen C0878684, MONDO:0010026, OMIM 269880.
Agammaglobulinemia 7, autosomal recessive (AGM7). Also called: AGAMMAGLOBULINEMIA, AUTOSOMAL RECESSIVE, DUE TO PIK3R1 DEFECT. Identifiers: MedGen C3554689, MONDO:0014083, OMIM 615214.
Immunodeficiency 36 with lymphoproliferation. Also called: Immunodeficiency 36; ACTIVATED PI3K-DELTA SYNDROME 2; Activated PI3K Delta Syndrome Type 2 (APDS2). Identifiers: Orphanet 397596, Orphanet 693681, MedGen C4014934, MONDO:0014453, OMIM 616005.

Allele frequency attached by ClinVar (database versions not stated): gnomAD exomes below 0.00001; TOPMed below 0.00001; gnomAD 0.00001.
gnomAD v4.1: 3 of 1,613,582 alleles (0.00019%); highest among the groups gnomAD compares: Non-Finnish European, 0.00025%; no homozygotes.

Submission:

Labcorp Genetics (formerly Invitae), Labcorp
Classification: Pathogenic for SHORT syndrome; Immunodeficiency 36 with lymphoproliferation; Agammaglobulinemia 7, autosomal recessive. Last evaluated: 2021-08-18. Review status: criteria provided, single submitter. Criteria: Invitae Variant Classification Sherloc (09022015). Collection method: clinical testing. Allele origin: germline.
Comment: This sequence change creates a premature translational stop signal (p.Arg162*) in the PIK3R1 gene. It is expected to result in an absent or disrupted protein product. Loss-of-function variants in PIK3R1 are known to be pathogenic (PMID: 22351933, 25133428). This variant is not present in population databases (ExAC no frequency). This variant has not been reported in the literature in individuals affected with PIK3R1-related conditions. For these reasons, this variant has been classified as Pathogenic.

Literature cited by the submitters: PubMed 22351933; PubMed 25133428.